The following is an entry in ClinVar:

ClinVar aggregate classification (germline): Uncertain significance. Review status: criteria provided, multiple submitters, no conflicts (2 of 4 stars). 2 submissions from 2 submitters: Uncertain significance (2). Last evaluated 2025-08-08.

Conditions:
Paroxysmal nonkinesigenic dyskinesia. Also called: Paroxysmal non-kinesigenic dyskinesia. Identifiers: Orphanet 98810, MedGen C1869117, MONDO:0700088.
Inborn genetic diseases. Identifiers: MedGen C0950123, MeSH D030342.

Allele frequency attached by ClinVar (database versions not stated): TOPMed 0.00010; gnomAD 0.00014.
gnomAD v4.1: 36 of 1,613,886 alleles (0.0022%); highest among the groups gnomAD compares: African/African-American, 0.032%; no homozygotes.

Submissions (2):

Labcorp Genetics (formerly Invitae), Labcorp
Classification: Uncertain significance for Paroxysmal nonkinesigenic dyskinesia. Last evaluated: 2025-08-08. Review status: criteria provided, single submitter. Criteria: Invitae Variant Classification Sherloc (09022015). Collection method: clinical testing. Allele origin: germline.
Comment: This sequence change replaces arginine, which is basic and polar, with glycine, which is neutral and non-polar, at codon 368 of the PNKD protein (p.Arg368Gly). This variant is present in population databases (rs185906233, gnomAD 0.05%), and has an allele count higher than expected for a pathogenic variant. This variant has not been reported in the literature in individuals affected with PNKD-related conditions. ClinVar contains an entry for this variant (Variation ID: 468623). Invitae Evidence Modeling of protein sequence and biophysical properties (such as structural, functional, and spatial information, amino acid conservation, physicochemical variation, residue mobility, and thermodynamic stability) indicates that this missense variant is not expected to disrupt PNKD protein function with a negative predictive value of 80%. In summary, the available evidence is currently insufficient to determine the role of this variant in disease. Therefore, it has been classified as a Variant of Uncertain Significance.

Ambry Genetics
Classification: Uncertain significance for Inborn genetic diseases. Last evaluated: 2023-12-09. Review status: criteria provided, single submitter. Criteria: Ambry Variant Classification Scheme 2023. Collection method: clinical testing. Allele origin: germline.

NM_015488.5(PNKD):c.1102C>G (p.Arg368Gly)

Genes: CATIP-AS2 (CATIP antisense RNA 2; minus strand), PNKD (PNKD metallo-beta-lactamase domain containing; plus strand). Cytogenetic location: 2q35.
Variant type: single nucleotide variant.
Coding change: c.1102C>G on transcript NM_015488.5 (MANE Select); coding-DNA position 1102, C replaced by G.
Protein change: p.Arg368Gly; replaces arginine 368 with glycine.
Molecular consequence: missense variant.
Genome position (GRCh38, 1-based): chr2:218,344,925, C>G. VCF-style: chr2-218344925-C-G. GRCh37 (hg19) VCF-style: chr2-219209648-C-G.
Other names: c.1030C>G, p.Arg344Gly (NM_022572.5); short protein forms R368G, R344G.
Identifiers: ClinVar variation 468623 (VCV000468623.12), dbSNP rs185906233, ClinGen allele CA2104207.